The following is an entry in ClinVar:

ClinVar aggregate classification (germline): Likely benign (0 of 4 stars; one submission).

Conditions:
TARDBP-related disorder. Also called: TARDBP-related condition.

gnomAD v4.1: 14 of 1,614,200 alleles (0.00087%); highest among the groups gnomAD compares: Non-Finnish European, 0.0012%; no homozygotes.

Submission:

PreventionGenetics, part of Exact Sciences
Classification: Likely benign for TARDBP-related condition. Last evaluated: 2023-03-10. Review status: no assertion criteria provided. Collection method: clinical testing. Allele origin: germline.
Comment: This variant is classified as likely benign based on ACMG/AMP sequence variant interpretation guidelines (Richards et al. 2015 PMID: 25741868, with internal and published modifications).

NM_007375.4(TARDBP):c.171A>G (p.Val57=)

Gene: TARDBP (TAR DNA binding protein; plus strand). Cytogenetic location: 1p36.22.
Variant type: single nucleotide variant.
Coding change: c.171A>G on transcript NM_007375.4 (MANE Select); coding-DNA position 171, A replaced by G.
Protein change: p.Val57=; no amino-acid change (valine 57 retained).
Molecular consequence: synonymous variant.
Genome position (GRCh38, 1-based): chr1:11,013,898, A>G. VCF-style: chr1-11013898-A-G. GRCh37 (hg19) VCF-style: chr1-11073955-A-G.
Identifiers: ClinVar variation 3356454 (VCV003356454.1).